The following is an entry in ClinVar:

NM_001129729.3(PLEKHG4):c.3221-5T>C

Gene: PLEKHG4 (pleckstrin homology and RhoGEF domain containing G4; plus strand). Cytogenetic location: 16q22.1.
Variant type: single nucleotide variant.
Coding change: c.3221-5T>C on transcript NM_001129729.3 (MANE Select); 5 bases into the intron before coding-DNA position 3221, T replaced by C.
Molecular consequence: intron variant.
Genome position (GRCh38, 1-based): chr16:67,288,162, T>C. VCF-style: chr16-67288162-T-C. GRCh37 (hg19) VCF-style: chr16-67322065-T-C.
Other names: c.3221-5T>C (NM_001129727.2, NM_001129727.3, NM_001129728.2); c.2978-5T>C (NM_001129731.3).
Identifiers: ClinVar variation 3904934 (VCV003904934.11).

ClinVar aggregate classification (germline): Likely benign. Review status: criteria provided, multiple submitters, no conflicts (2 of 4 stars). 2 submissions from 2 submitters: Likely benign (2). Last evaluated 2025-06-10.

Conditions:
PLEKHG4-related disorder. Also called: PLEKHG4-related condition.

gnomAD v4.1: 998 of 1,613,264 alleles (0.062%); highest among the groups gnomAD compares: Non-Finnish European, 0.077%; 2 homozygotes.

Submissions (2):

PreventionGenetics, part of Exact Sciences
Classification: Likely benign for PLEKHG4-related condition. Last evaluated: 2025-06-10. Review status: criteria provided, single submitter. Criteria: ACMG Guidelines, 2015. Collection method: clinical testing. Allele origin: germline.
Comment: This variant is classified as likely benign based on ACMG/AMP sequence variant interpretation guidelines (Richards et al. 2015 PMID: 25741868, with internal and published modifications).

CeGaT Center for Human Genetics Tuebingen
Classification: Likely benign. Last evaluated: 2025-05-01. Review status: criteria provided, single submitter. Criteria: CeGaT Center For Human Genetics Tuebingen Variant Classification Criteria Version 2. Collection method: clinical testing. Allele origin: germline. Affected: yes. Observed: 1 variant allele.
Comment: PLEKHG4: BP4